The following is an entry in ClinVar:

ClinVar aggregate classification (germline): Uncertain significance. Review status: criteria provided, multiple submitters, no conflicts (2 of 4 stars). 3 submissions from 3 submitters: Uncertain significance (2). 1 of the submissions does not count toward it. Last evaluated 2023-03-03.

Conditions:
Duchenne muscular dystrophy (DMD). Also called: MUSCULAR DYSTROPHY, PSEUDOHYPERTROPHIC PROGRESSIVE, DUCHENNE TYPE; Duchenne Muscular Dystrophy (DMD). Identifiers: Orphanet 98896, MedGen C0013264, MONDO:0010679, OMIM 310200.
Cardiomyopathy (CMYO). Also called: Cardiomyopathies. Identifiers: Orphanet 167848, MedGen C0878544, MONDO:0004994, HP:0001638. Inheritance: Various modes of inheritance.
Becker muscular dystrophy (BMD). Also called: MUSCULAR DYSTROPHY, PSEUDOHYPERTROPHIC PROGRESSIVE, BECKER TYPE; Becker Muscular Dystrophy (BMD). Identifiers: Orphanet 98895, MedGen C0917713, MONDO:0010311, OMIM 300376.
Dystrophin deficiency.

Allele frequency attached by ClinVar (database versions not stated): TOPMed 0.00001.

Submissions (3):

Labcorp Genetics (formerly Invitae), Labcorp
Classification: Uncertain significance for Duchenne muscular dystrophy. Last evaluated: 2023-03-03. Review status: criteria provided, single submitter. Criteria: Invitae Variant Classification Sherloc (09022015). Collection method: clinical testing. Allele origin: germline.
Comment: This variant has not been reported in the literature in individuals affected with DMD-related conditions. This sequence change replaces serine, which is neutral and polar, with glycine, which is neutral and non-polar, at codon 1368 of the DMD protein (p.Ser1368Gly). This variant is not present in population databases (gnomAD no frequency). ClinVar contains an entry for this variant (Variation ID: 498925). Advanced modeling of protein sequence and biophysical properties (such as structural, functional, and spatial information, amino acid conservation, physicochemical variation, residue mobility, and thermodynamic stability) performed at Invitae indicates that this missense variant is not expected to disrupt DMD protein function. In summary, the available evidence is currently insufficient to determine the role of this variant in disease. Therefore, it has been classified as a Variant of Uncertain Significance.

Eurofins Ntd Llc (ga)
Classification: Uncertain significance. Last evaluated: 2016-12-07. Review status: criteria provided, single submitter. Criteria: EGL Classification Definitions 2015. Collection method: clinical testing. Allele origin: germline. Observed: 1 variant allele, 1 hemizygote.

Natera, Inc.
Classification: Uncertain significance for Becker muscular dystrophy; Cardiomyopathy; Duchenne muscular dystrophy; Dystrophin deficiency. Last evaluated: 2018-10-11. Review status: no assertion criteria provided. Collection method: clinical testing. Allele origin: germline. Not counted in ClinVar's aggregate classification.

NM_004006.3(DMD):c.4102A>G (p.Ser1368Gly)

Gene: DMD (dystrophin; minus strand). Cytogenetic location: Xp21.1.
Variant type: single nucleotide variant.
Coding change: c.4102A>G on transcript NM_004006.3 (MANE Select); coding-DNA position 4102, A replaced by G.
Protein change: p.Ser1368Gly; replaces serine 1368 with glycine.
Molecular consequence: missense variant.
Genome position (GRCh38, 1-based): chrX:32,411,883, T>C on the plus strand (A>G on the coding strand, the complement: DMD is on the minus strand). VCF-style: chrX-32411883-T-C. GRCh37 (hg19) VCF-style: chrX-32430000-T-C.
Other names: c.4078A>G, p.Ser1360Gly (NM_000109.4); c.4090A>G, p.Ser1364Gly (NM_004009.3); c.3733A>G, p.Ser1245Gly (NM_004010.3); c.79A>G, p.Ser27Gly (NM_004011.4); c.70A>G, p.Ser24Gly (NM_004012.4); short protein forms S1368G, S1360G, S1245G, S1364G, S24G, S27G.
Identifiers: ClinVar variation 498925 (VCV000498925.14), dbSNP rs1557340477, ClinGen allele CA412666616.